The following is an entry in ClinVar:

ClinVar aggregate classification (germline): Pathogenic (1 of 4 stars; one submission).

Conditions:
Fabry disease. Also called: ALPHA-GALACTOSIDASE A DEFICIENCY; ANDERSON-FABRY DISEASE; CERAMIDE TRIHEXOSIDASE DEFICIENCY; GLA DEFICIENCY; HEREDITARY DYSTOPIC LIPIDOSIS; Angiokeratoma corporis diffusum. Identifiers: Orphanet 324, MedGen C0002986, MONDO:0010526, OMIM 301500, HP:0001071. Disease mechanism: Fabry disease is due to inactivating mutations in the X-linked GLA gene resulting in deficiency of the enzyme Alpha Galactosidase-A., loss of function.

Submission:

Genomenon, Inc
Classification: Pathogenic for Fabry disease. Last evaluated: 2026-09-08. Review status: criteria provided, single submitter. Criteria: Genomenon Sequence Variant Interpretation Standards - Updated. Collection method: curation. Allele origin: germline. Affected: yes.
Comment: GLA p.Met1? (c.1A>C) is a variant that disrupts the initiation codon leading to an altered or absent protein product. This variant has been observed in at least one proband with clinical features consistent with Fabry disease (PMID:27164712). At least one functional study has demonstrated a substantial alteration in protein function relative to the wild-type (PMID:27657681). It is absent or not present at a significant frequency in gnomAD. In conclusion, we classify GLA p.Met1? (c.1A>C) as a pathogenic variant.

Literature cited by the submitters: PubMed 27164712; PubMed 27657681.

NM_000169.3(GLA):c.1A>C (p.Met1Leu)

Genes: GLA (galactosidase alpha; minus strand), RPL36A-HNRNPH2 (RPL36A-HNRNPH2 readthrough; plus strand). Cytogenetic location: Xq22.1.
Variant type: single nucleotide variant.
Coding change: c.1A>C on transcript NM_000169.3 (MANE Select); coding-DNA position 1, A replaced by C.
Protein change: p.Met1Leu; changes the start codon (methionine 1).
Molecular consequence: missense variant, initiator codon variant. On other transcripts: non-coding transcript variant (3), intron variant (2).
Genome position (GRCh38, 1-based): chrX:101,407,903, T>G on the plus strand (A>C on the coding strand, the complement: GLA is on the minus strand). VCF-style: chrX-101407903-T-G. GRCh37 (hg19) VCF-style: chrX-100662891-T-G.
Other names: c.1A>C, p.Met1Leu (NM_001406747.1, NM_001406748.1, NM_001406749.1); c.301-4033T>G (NM_001199973.2); c.178-4033T>G (NM_001199974.2); short protein forms M1L.
Identifiers: ClinVar variation 4086977 (VCV004086977.2), dbSNP rs869312265.